The following is an entry in ClinVar:

ClinVar aggregate classification (germline): Pathogenic. Review status: reviewed by expert panel (3 of 4 stars). 3 submissions from 3 submitters: Pathogenic (1). 2 of the submissions do not count toward it. Last evaluated 2024-03-26.

Conditions:
Hereditary thrombocytopenia and hematological cancer predisposition syndrome associated with RUNX1. Also called: PLATELET DISORDER, ASPIRIN-LIKE; RUNX1 Familial Platelet Disorder with Associated Myeloid Malignancies; Familial Platelet Disorder with Propensity to Acute Myelogenous Leukemia; Familial thrombocytopenia with propensity to acute myelogenous leukemia. Identifiers: Orphanet 71290, MedGen C1832388, MeSH C563324, MONDO:0100083, OMIM 601399.
Hereditary thrombocytopenia and hematologic cancer predisposition syndrome. Identifiers: Orphanet 71290, MedGen CN281654, MONDO:0011071.

Submissions (3):

ClinGen Myeloid Malignancy Variant Curation Expert Panel
Classification: Pathogenic for Hereditary thrombocytopenia and hematologic cancer predisposition syndrome. Last evaluated: 2024-03-26. Review status: reviewed by expert panel. Criteria: ClinGen MyeloMalig ACMG Specifications v2. Collection method: curation. Allele origin: germline. Inheritance: Autosomal dominant inheritance.
Comment: The NM_001754.4(RUNX1):c.159del (p.Ser53fs) variant is a frameshift variant that is predicted to introduce a premature stop codon and expected to result in nonsense-mediated mRNA decay (PVS1). This variant is completely absent from all population databases with at least 20x coverage for RUNX1 (PM2_supporting). This variant is a nonsense/frameshift variants that is downstream of c.98 (PM5_Supporting). The variant has not been reported in patients with familial platelet disorder with predisposition to hematologic malignancies in the literature, to the best of our knowledge. In summary, this variant meets criteria to be classified as pathogenic. ACMG/AMP criteria applied, as specified by the Myeloid Malignancy Variant Curation Expert Panel for RUNX1: PVS1, PM2_supporting, PM5_supporting.

Labcorp Genetics (formerly Invitae), Labcorp
Classification: Pathogenic for Hereditary thrombocytopenia and hematological cancer predisposition syndrome associated with RUNX1. Last evaluated: 2024-06-19. Review status: criteria provided, single submitter. Criteria: Invitae Variant Classification Sherloc (09022015). Collection method: clinical testing. Allele origin: germline. Not counted in ClinVar's aggregate classification.
Comment: This sequence change creates a premature translational stop signal (p.Ser53Argfs*19) in the RUNX1 gene. It is expected to result in an absent or disrupted protein product. Loss-of-function variants in RUNX1 are known to be pathogenic (PMID: 18723428, 24100448). This variant is not present in population databases (gnomAD no frequency). This variant has not been reported in the literature in individuals affected with RUNX1-related conditions. ClinVar contains an entry for this variant (Variation ID: 561228). For these reasons, this variant has been classified as Pathogenic.

PreventionGenetics, part of Exact Sciences
Classification: Likely pathogenic. Last evaluated: 2016-04-13. Review status: criteria provided, single submitter. Criteria: ACMG Guidelines, 2015. Collection method: clinical testing. Allele origin: germline. Not counted in ClinVar's aggregate classification.

Literature cited by the submitters: PubMed 18723428 (cited by Labcorp Genetics (formerly Invitae), Labcorp); PubMed 24100448 (cited by Labcorp Genetics (formerly Invitae), Labcorp).

NM_001754.5(RUNX1):c.159del (p.Ser53fs)

Gene: RUNX1 (RUNX family transcription factor 1; minus strand). Cytogenetic location: 21q22.12.
Variant type: Deletion.
Coding change: c.159del on transcript NM_001754.5 (MANE Select); coding-DNA position 159, one base deleted (C; older notation c.159delC).
Protein change: p.Ser53fs; shifts the reading frame from serine 53.
Molecular consequence: frameshift variant.
Genome position (GRCh38, 1-based): chr21:34,887,035, G deleted on the plus strand (C on the coding strand, the reverse complement: RUNX1 is on the minus strand). VCF-style (leftmost placement, unchanged base first): chr21-34887034-CG-C. GRCh37 (hg19) VCF-style: chr21-36259331-CG-C.
Other names: NM_001754.5(RUNX1):c.159del; c.78del, p.Ser26fs (NM_001001890.3, NM_001122607.2); c.159del (NM_001754.4); c.159delC (NM_001754.4); short protein forms S53fs, S26fs.
Identifiers: ClinVar variation 561228 (VCV000561228.6), dbSNP rs1569084646, ClinGen allele CA658824424.